The following is an entry in ClinVar:

NM_000093.5(COL5A1):c.1332+3G>A

Gene: COL5A1 (collagen type V alpha 1 chain; plus strand). Cytogenetic location: 9q34.3.
Variant type: single nucleotide variant.
Coding change: c.1332+3G>A on transcript NM_000093.5 (MANE Select); 3 bases into the intron after coding-DNA position 1332, G replaced by A.
Molecular consequence: intron variant.
Genome position (GRCh38, 1-based): chr9:134,731,666, G>A. VCF-style: chr9-134731666-G-A. GRCh37 (hg19) VCF-style: chr9-137623512-G-A.
Other names: c.1332+3G>A (NM_001278074.1).
Identifiers: ClinVar variation 1949439 (VCV001949439.5), dbSNP rs1337436943, ClinGen allele CA591363454.

ClinVar aggregate classification (germline): Uncertain significance (1 of 4 stars; one submission).

Conditions:
Ehlers-Danlos syndrome, classic type, 1 (EDSCL1). Also called: Ehlers-Danlos syndrome, type 1; Ehlers-Danlos Syndrome, Classic Type, COL5A1-Related; EDS I; EHLERS-DANLOS SYNDROME, GRAVIS TYPE; EHLERS-DANLOS SYNDROME, SEVERE CLASSIC TYPE. Identifiers: MedGen C0268335, MONDO:0019567, OMIM 130000.

gnomAD v4.1: 2 of 1,611,288 alleles (0.00012%); highest among the groups gnomAD compares: Admixed American, 0.0017%; no homozygotes.

Submission:

Labcorp Genetics (formerly Invitae), Labcorp
Classification: Uncertain significance for Ehlers-Danlos syndrome, classic type, 1. Last evaluated: 2024-11-18. Review status: criteria provided, single submitter. Criteria: Invitae Variant Classification Sherloc (09022015). Collection method: clinical testing. Allele origin: germline.
Comment: This sequence change falls in intron 8 of the COL5A1 gene. It does not directly change the encoded amino acid sequence of the COL5A1 protein. It affects a nucleotide within the consensus splice site. This variant is present in population databases (no rsID available, gnomAD 0.003%). This variant has not been reported in the literature in individuals affected with COL5A1-related conditions. ClinVar contains an entry for this variant (Variation ID: 1949439). Variants that disrupt the consensus splice site are a relatively common cause of aberrant splicing (PMID: 17576681, 9536098). Algorithms developed to predict the effect of sequence changes on RNA splicing suggest that this variant is not likely to affect RNA splicing. In summary, the available evidence is currently insufficient to determine the role of this variant in disease. Therefore, it has been classified as a Variant of Uncertain Significance.

Literature cited by the submitters: PubMed 17576681; PubMed 9536098.